The following is an entry in ClinVar:

NM_001572.5(IRF7):c.1205C>T (p.Thr402Ile)

Gene: IRF7 (interferon regulatory factor 7; minus strand). Cytogenetic location: 11p15.5.
Variant type: single nucleotide variant.
Coding change: c.1205C>T on transcript NM_001572.5 (MANE Select); coding-DNA position 1205, C replaced by T.
Protein change: p.Thr402Ile; replaces threonine 402 with isoleucine.
Molecular consequence: missense variant.
Genome position (GRCh38, 1-based): chr11:613,238, G>A on the plus strand (C>T on the coding strand, the complement: IRF7 is on the minus strand). VCF-style: chr11-613238-G-A. GRCh37 (hg19) VCF-style: chr11-613238-G-A.
Other names: c.1118C>T, p.Thr373Ile (NM_004029.4); c.1244C>T, p.Thr415Ile (NM_004031.4); c.1244C>T (NM_004031.2); short protein forms T373I, T402I, T415I.
Identifiers: ClinVar variation 1063328 (VCV001063328.10), dbSNP rs1039452743, ClinGen allele CA216910267.
Genomic context (GRCh38, chr11:613,238, plus strand): 5'-CAGCCCCCCAGGCAAGGGCCTCACTGACCTTGGAAGAAGACTCTGAAGTCGAAGATGGGG[G>A]TGTCACAGTTCCGAGGCAGCAGGCAGGCTGGGGTGGAGGGGCTGGCGGAGCCTGGGGGTC-3'
Protein context (NP_001563.2, residues 392-412): PACLLPRNCD[Thr402Ile]PIFDFRVFFQ

ClinVar aggregate classification (germline): Uncertain significance. Review status: criteria provided, multiple submitters, no conflicts (2 of 4 stars). 2 submissions from 2 submitters: Uncertain significance (2). Last evaluated 2025-10-09.

Conditions:
Immunodeficiency 39 (IMD39). Identifiers: Orphanet 574918, MedGen C4225358, MONDO:0014597, OMIM 616345.

Allele frequency attached by ClinVar (database versions not stated): gnomAD exomes below 0.00001; TOPMed below 0.00001.

Submissions (2):

Labcorp Genetics (formerly Invitae), Labcorp
Classification: Uncertain significance for Immunodeficiency 39. Last evaluated: 2025-10-09. Review status: criteria provided, single submitter. Criteria: Invitae Variant Classification Sherloc (09022015). Collection method: clinical testing. Allele origin: germline.
Comment: This sequence change replaces threonine, which is neutral and polar, with isoleucine, which is neutral and non-polar, at codon 415 of the IRF7 protein (p.Thr415Ile). This variant is not present in population databases (gnomAD no frequency). This variant has not been reported in the literature in individuals affected with IRF7-related conditions. ClinVar contains an entry for this variant (Variation ID: 1063328). Invitae Evidence Modeling of protein sequence and biophysical properties (such as structural, functional, and spatial information, amino acid conservation, physicochemical variation, residue mobility, and thermodynamic stability) indicates that this missense variant is not expected to disrupt IRF7 protein function with a negative predictive value of 80%. In summary, the available evidence is currently insufficient to determine the role of this variant in disease. Therefore, it has been classified as a Variant of Uncertain Significance.

Ambry Genetics
Classification: Uncertain significance. Last evaluated: 2024-01-04. Review status: criteria provided, single submitter. Criteria: Ambry Variant Classification Scheme 2023. Collection method: clinical testing. Allele origin: germline.